The following is an entry in ClinVar:

ClinVar aggregate classification (germline): Benign/Likely benign. Review status: criteria provided, multiple submitters, no conflicts (2 of 4 stars). 3 submissions from 3 submitters: Benign (1); Likely benign (2). Last evaluated 2024-09-24.

Conditions:
Familial melanoma. Also called: Hereditary melanoma; Hereditary cutaneous melanoma. Identifiers: Orphanet 618, MedGen C1512419, MONDO:0018961.
Hereditary cancer-predisposing syndrome. Also called: Neoplastic Syndromes, Hereditary; Tumor predisposition; Hereditary Cancer Syndrome; Hereditary neoplastic syndrome. Identifiers: Orphanet 140162, MedGen C0027672, MeSH D009386, MONDO:0015356.
Melanoma, cutaneous malignant, susceptibility to, 3. Also called: Cutaneous malignant melanoma 3. Identifiers: Orphanet 618, MedGen C1836892, MONDO:0012183, OMIM 609048.

Submissions (3):

Myriad Genetics, Inc.
Classification: Benign for Melanoma, cutaneous malignant, susceptibility to, 3. Last evaluated: 2024-09-24. Review status: criteria provided, single submitter. Criteria: Myriad Autosomal Dominant, Autosomal Recessive and X-Linked Classification Criteria (2023). Collection method: clinical testing. Allele origin: unknown.
Comment: This variant is considered benign. This variant is a silent/synonymous amino acid change and it is not expected to impact splicing.

Labcorp Genetics (formerly Invitae), Labcorp
Classification: Likely benign for Familial melanoma. Last evaluated: 2024-01-21. Review status: criteria provided, single submitter. Criteria: Invitae Variant Classification Sherloc (09022015). Collection method: clinical testing. Allele origin: germline.

Ambry Genetics
Classification: Likely benign for Hereditary cancer-predisposing syndrome. Last evaluated: 2023-10-12. Review status: criteria provided, single submitter. Criteria: Ambry Variant Classification Scheme 2023. Collection method: clinical testing. Allele origin: germline.

NM_000075.4(CDK4):c.177A>G (p.Leu59=)

Genes: CDK4 (cyclin dependent kinase 4; minus strand), LOC130008148 (ATAC-STARR-seq lymphoblastoid silent region 4588; plus strand). Cytogenetic location: 12q14.1.
Variant type: single nucleotide variant.
Coding change: c.177A>G on transcript NM_000075.4 (MANE Select); coding-DNA position 177, A replaced by G.
Protein change: p.Leu59=; no amino-acid change (leucine 59 retained).
Molecular consequence: synonymous variant.
Genome position (GRCh38, 1-based): chr12:57,751,541, T>C on the plus strand (A>G on the coding strand, the complement: CDK4 is on the minus strand). VCF-style: chr12-57751541-T-C. GRCh37 (hg19) VCF-style: chr12-58145324-T-C.
Identifiers: ClinVar variation 2710534 (VCV002710534.5), dbSNP rs1955237137, ClinGen allele CA480404836.
Genomic context (GRCh38, chr12:57,751,541, plus strand): 5'-CCCTCCACCACCTTCTCACCGGACAACATTGGGATGCTCAAAAGCCTCCAGTCGCCTCAG[T>C]AAAGCCACCTCACGAACTGTGCTGATGGGAAGGCCTCCTCCACCTCCTCCTCCATTGGGG-3'
Protein context (NP_000066.1, residues 49-69): LPISTVREVA[Leu59=]LRRLEAFEHP